The following is an entry in ClinVar:

ClinVar aggregate classification (germline): Pathogenic/Likely pathogenic. Review status: criteria provided, multiple submitters, no conflicts (2 of 4 stars). 3 submissions from 3 submitters: Pathogenic (1); Likely pathogenic (1). 1 of the submissions does not count toward it. Last evaluated 2023-06-01.

Conditions:
EVC-related disorder. Also called: EVC-related disorders; EVC-related condition.
Ellis-van Creveld syndrome (EVC). Also called: MESOECTODERMAL DYSPLASIA; Chondroectodermal dysplasia. Identifiers: Orphanet 289, MedGen C0013903, MONDO:0009162, OMIM 225500.

Submissions (3):

CeGaT Center for Human Genetics Tuebingen
Classification: Likely pathogenic. Last evaluated: 2023-06-01. Review status: criteria provided, single submitter. Criteria: CeGaT Center For Human Genetics Tuebingen Variant Classification Criteria Version 2. Collection method: clinical testing. Allele origin: germline. Affected: yes. Observed: 1 variant allele.
Comment: EVC: PM2, PM3, PP3, PS3:Supporting

PreventionGenetics, part of Exact Sciences
Classification: Pathogenic for EVC-related condition. Last evaluated: 2022-11-08. Review status: criteria provided, single submitter. Criteria: ACMG Guidelines, 2015. Collection method: clinical testing. Allele origin: germline.
Comment: The EVC c.384+5G>C variant is predicted to interfere with splicing. This variant in the compound heterozygous condition along with another splicing variant in the EVC gene was reported in an individual with Ellis-van Creveld syndrome (Shi et al 2016. PubMed ID: 26621368). RNA studies suggested that this variant abolished normal splice site and created a new cryptic acceptor site within exon 4 (Shi et al 2016. PubMed ID: 26621368). This variant has not been reported in a large population database, indicating this variant is rare. This variant is interpreted as pathogenic.

Counsyl
Classification: Uncertain significance for Ellis-van Creveld syndrome. Last evaluated: 2017-03-16. Review status: no assertion criteria provided. Collection method: clinical testing. Allele origin: unknown. Not counted in ClinVar's aggregate classification.

Literature cited by the submitters: PubMed 26621368 (cited by Counsyl).

NM_153717.3(EVC):c.384+5G>C

Gene: EVC (EvC ciliary complex subunit 1; plus strand). Cytogenetic location: 4p16.2.
Variant type: single nucleotide variant.
Coding change: c.384+5G>C on transcript NM_153717.3 (MANE Select); 5 bases into the intron after coding-DNA position 384, G replaced by C.
Molecular consequence: intron variant.
Genome position (GRCh38, 1-based): chr4:5,729,395, G>C. VCF-style: chr4-5729395-G-C. GRCh37 (hg19) VCF-style: chr4-5731122-G-C.
Other names: c.384+5G>C (NM_001306090.2, NM_001306092.2).
Identifiers: ClinVar variation 551134 (VCV000551134.26), dbSNP rs1553865348, ClinGen allele CA658821193.